The following is an entry in ClinVar:

NM_015557.3(CHD5):c.4009C>T (p.Arg1337Cys)

Gene: CHD5 (chromodomain helicase DNA binding protein 5; minus strand). Cytogenetic location: 1p36.31.
Variant type: single nucleotide variant.
Coding change: c.4009C>T on transcript NM_015557.3 (MANE Select); coding-DNA position 4009, C replaced by T.
Protein change: p.Arg1337Cys; replaces arginine 1337 with cysteine.
Molecular consequence: missense variant.
Genome position (GRCh38, 1-based): chr1:6,126,641, G>A on the plus strand (C>T on the coding strand, the complement: CHD5 is on the minus strand). VCF-style: chr1-6126641-G-A. GRCh37 (hg19) VCF-style: chr1-6186701-G-A.
Other names: short protein forms R1337C.
Identifiers: ClinVar variation 2338503 (VCV002338503.4), dbSNP rs772831691, ClinGen allele CA556305.

ClinVar aggregate classification (germline): Uncertain significance. Review status: criteria provided, multiple submitters, no conflicts (2 of 4 stars). 2 submissions from 2 submitters: Uncertain significance (2). Last evaluated 2026-03-11.

Conditions:
Inborn genetic diseases. Identifiers: MedGen C0950123, MeSH D030342.

Allele frequency attached by ClinVar (database versions not stated): TOPMed below 0.00001; ExAC 0.00002.
gnomAD v4.1: 14 of 1,613,950 alleles (0.00087%); highest among the groups gnomAD compares: Non-Finnish European, 0.0011%; no homozygotes.

Submissions (2):

Ambry Genetics
Classification: Uncertain significance for Inborn genetic diseases. Last evaluated: 2026-03-11. Review status: criteria provided, single submitter. Criteria: Ambry Variant Classification Scheme 2023. Collection method: clinical testing. Allele origin: germline.

Women's Health and Genetics/Laboratory Corporation of America, LabCorp
Classification: Uncertain significance. Last evaluated: 2025-12-01. Review status: criteria provided, single submitter. Criteria: LabCorp Variant Classification Summary - May 2015. Collection method: clinical testing. Allele origin: germline.
Comment: Variant summary: CHD5 c.4009C>T (p.Arg1337Cys) results in a non-conservative amino acid change in the encoded protein sequence. Algorithms developed to predict the effect of missense changes on protein structure and function all suggest that this variant is likely to be disruptive. The variant allele was found at a frequency of 1.2e-05 in 251034 control chromosomes. The available data on variant occurrences in the general population are insufficient to allow any conclusion about variant significance. To our knowledge, no occurrence of c.4009C>T in individuals affected with CHD5-related conditions and no experimental evidence demonstrating its impact on protein function have been reported. ClinVar contains an entry for this variant (Variation ID: 2338503). Based on the evidence outlined above, the variant was classified as uncertain significance.